The following is an entry in ClinVar:

ClinVar aggregate classification (germline): Likely benign (1 of 4 stars; one submission).

gnomAD v4.1: 463 of 152,156 alleles (0.3%); highest among the groups gnomAD compares: Non-Finnish European, 0.51%; 3 homozygotes.

Submission:

CeGaT Center for Human Genetics Tuebingen
Classification: Likely benign. Last evaluated: 2026-08-01. Review status: criteria provided, single submitter. Criteria: CeGaT Center For Human Genetics Tuebingen Variant Classification Criteria Version 2. Collection method: clinical testing. Allele origin: germline. Affected: yes. Observed: 2 variant alleles.
Comment: PRKG1: PP3, BS1

NM_006258.4(PRKG1):c.762+10598G>T

Gene: PRKG1 (protein kinase cGMP-dependent 1; plus strand). Cytogenetic location: 10q21.1.
Variant type: single nucleotide variant.
Coding change: c.762+10598G>T on transcript NM_006258.4 (MANE Select); 10598 bases into the intron after coding-DNA position 762, G replaced by T.
Molecular consequence: intron variant.
Genome position (GRCh38, 1-based): chr10:51,918,168, G>T. VCF-style: chr10-51918168-G-T. GRCh37 (hg19) VCF-style: chr10-53677928-G-T.
Other names: c.717+10598G>T (NM_001098512.3); c.762+10598G>T (NM_001374782.1).
Identifiers: ClinVar variation 5039798 (VCV005039798.1).
Genomic context (GRCh38, chr10:51,918,168, plus strand): 5'-CCTAGTCCCAATGTGCAGGTGGGAAGACTGAGCCTCAGATAACACAGCGAATTAAATGGG[G>T]AAGTATTTTACCCTATGCAATCCGACCCTGGAATCAGTACCTTTCAGTACTATACTGCAT-3'